The following is an entry in ClinVar:

NM_147127.5(EVC2):c.675A>G (p.Gly225=)

Gene: EVC2 (EvC ciliary complex subunit 2; minus strand). Cytogenetic location: 4p16.2.
Variant type: single nucleotide variant.
Coding change: c.675A>G on transcript NM_147127.5 (MANE Select); coding-DNA position 675, A replaced by G.
Protein change: p.Gly225=; no amino-acid change (glycine 225 retained).
Molecular consequence: synonymous variant.
Genome position (GRCh38, 1-based): chr4:5,689,188, T>C on the plus strand (A>G on the coding strand, the complement: EVC2 is on the minus strand). VCF-style: chr4-5689188-T-C. GRCh37 (hg19) VCF-style: chr4-5690915-T-C.
Other names: c.435A>G, p.Gly145= (NM_001166136.2).
Identifiers: ClinVar variation 262619 (VCV000262619.29), dbSNP rs74930168, ClinGen allele CA2835372.
Genomic context (GRCh38, chr4:5,689,188, plus strand): 5'-TCCCTGACTTCAGAACGCTTTGCTGTTACCTTGCAGAAACTTCTTGCTAAAAGCCTGGAA[T>C]CCTTCCGAGGTCCTGTTTCCCACAGAGTCCCAAATGGTGAGACCAGCAATGCTGTCCAGC-3'
Protein context (NP_667338.3, residues 215-235): WDSVGNRTSE[Gly225=]FQAFSKKFLQ

ClinVar aggregate classification (germline): Benign/Likely benign. Review status: criteria provided, multiple submitters, no conflicts (2 of 4 stars). 7 submissions from 7 submitters: Benign (4); Likely benign (3). Last evaluated 2026-02-04.

Conditions:
Ellis-van Creveld syndrome (EVC). Also called: MESOECTODERMAL DYSPLASIA; Chondroectodermal dysplasia. Identifiers: Orphanet 289, MedGen C0013903, MONDO:0009162, OMIM 225500.
Curry-Hall syndrome (WAD). Also called: WEYERS ACRODENTAL DYSOSTOSIS. Identifiers: Orphanet 952, MedGen C0457013, MONDO:0008673, OMIM 193530.

Allele frequency attached by ClinVar (database versions not stated): gnomAD exomes 0.00050 and 0.00131; ExAC 0.00157; gnomAD 0.00434 and 0.00463; ESP Exome Variant Server 0.00546; TOPMed 0.00551; 1000 Genomes Project 0.00579; 1000 Genomes Project 30x 0.00750.
gnomAD v4.1: 1,467 of 1,614,208 alleles (0.091%); highest among the groups gnomAD compares: African/African-American, 1.6%; 14 homozygotes.

Submissions (7):

Labcorp Genetics (formerly Invitae), Labcorp
Classification: Benign for Curry-Hall syndrome; Ellis-van Creveld syndrome. Last evaluated: 2026-02-04. Review status: criteria provided, single submitter. Criteria: Invitae Variant Classification Sherloc (09022015). Collection method: clinical testing. Allele origin: germline.

ARUP Laboratories, Molecular Genetics and Genomics, ARUP Laboratories
Classification: Benign. Last evaluated: 2024-12-27. Review status: criteria provided, single submitter. Criteria: ARUP Molecular Germline Variant Investigation Process 2024. Collection method: clinical testing. Allele origin: germline.

Blueprint Genetics
Classification: Likely benign. Last evaluated: 2024-11-06. Review status: criteria provided, single submitter. Criteria: ACMG Guidelines, 2015. Collection method: clinical testing. Allele origin: germline.

GeneDx
Classification: Likely benign. Last evaluated: 2021-02-09. Review status: criteria provided, single submitter. Criteria: GeneDx Variant Classification Process June 2021. Collection method: clinical testing. Allele origin: germline. Affected: yes.

Illumina Laboratory Services, Illumina
Classification: Benign for Ellis-van Creveld syndrome. Last evaluated: 2018-01-13. Review status: criteria provided, single submitter. Criteria: ICSL Variant Classification Criteria 13 December 2019. Collection method: clinical testing. Allele origin: germline.
Comment: This variant was observed in the ICSL laboratory as part of a predisposition screen in an ostensibly healthy population. It had not been previously curated by ICSL or reported in the Human Gene Mutation Database (HGMD: prior to June 1st, 2018), and was therefore a candidate for classification through an automated scoring system. Utilizing variant allele frequency, disease prevalence and penetrance estimates, and inheritance mode, an automated score was calculated to assess if this variant is too frequent to cause the disease. Based on the score and internal cut-off values, a variant classified as benign is not then subjected to further curation. The score for this variant resulted in a classification of benign for this disease.

Breakthrough Genomics
Classification: Likely benign. Review status: criteria provided, single submitter. Criteria: ACMG Guidelines, 2015. Collection method: not provided. Allele origin: germline. Inheritance: Autosomal recessive inheritance. Affected: yes.

PreventionGenetics, part of Exact Sciences
Classification: Benign. Review status: criteria provided, single submitter. Criteria: ACMG Guidelines, 2015. Collection method: clinical testing. Allele origin: germline.